The following is an entry in ClinVar:

ClinVar aggregate classification (germline): Likely benign (0 of 4 stars; one submission).

Conditions:
SHANK2-related disorder.

Allele frequency attached by ClinVar (database versions not stated): 1000 Genomes Project 30x 0.00016; ExAC 0.00032; gnomAD 0.00043; TOPMed 0.00038; gnomAD exomes 0.00061; 1000 Genomes Project 0.00020.
gnomAD v4.1: 926 of 1,551,828 alleles (0.06%); highest among the groups gnomAD compares: Non-Finnish European, 0.074%; 3 homozygotes.

Submission:

PreventionGenetics, part of Exact Sciences
Classification: Likely benign for SHANK2-related condition. Last evaluated: 2020-10-13. Review status: no assertion criteria provided. Collection method: clinical testing. Allele origin: germline.
Comment: This variant is classified as likely benign based on ACMG/AMP sequence variant interpretation guidelines (Richards et al. 2015 PMID: 25741868, with internal and published modifications).

NM_012309.5(SHANK2):c.612C>T (p.Ala204=)

Gene: SHANK2 (SH3 and multiple ankyrin repeat domains 2; minus strand). Cytogenetic location: 11q13.4.
Variant type: single nucleotide variant.
Coding change: c.612C>T on transcript NM_012309.5 (MANE Select); coding-DNA position 612, C replaced by T.
Protein change: p.Ala204=; no amino-acid change (alanine 204 retained).
Molecular consequence: synonymous variant.
Genome position (GRCh38, 1-based): chr11:71,094,669, G>A on the plus strand (C>T on the coding strand, the complement: SHANK2 is on the minus strand). VCF-style: chr11-71094669-G-A. GRCh37 (hg19) VCF-style: chr11-70805715-G-A.
Identifiers: ClinVar variation 3054405 (VCV003054405.2), dbSNP rs187315247, ClinGen allele CA6162099.
Genomic context (GRCh38, chr11:71,094,669, plus strand): 5'-CAGGTGAGCTCCACCATTTTTGAGAGCTTTGATGACCTCCACAGAGTCGTCCAGCTGAGC[G>A]GCTAAGGTCAGGGGGGTCTCTGAGGAACCCAAACACACACACTTTAGAACCAACATTTGT-3'
Protein context (NP_036441.2, residues 194-214): PETGETPLTL[Ala204=]AQLDDSVEVI